The following is an entry in ClinVar:

NM_001291415.2(KDM6A):c.2915C>T (p.Pro972Leu)

Gene: KDM6A (lysine demethylase 6A; plus strand). Cytogenetic location: Xp11.3.
Variant type: single nucleotide variant.
Coding change: c.2915C>T on transcript NM_001291415.2 (MANE Select); coding-DNA position 2915, C replaced by T.
Protein change: p.Pro972Leu; replaces proline 972 with leucine.
Molecular consequence: missense variant. On other transcripts: non-coding transcript variant (1).
Genome position (GRCh38, 1-based): chrX:45,076,753, C>T. VCF-style: chrX-45076753-C-T. GRCh37 (hg19) VCF-style: chrX-44935998-C-T.
Other names: c.2780C>T, p.Pro927Leu (NM_001291416.2); c.2624C>T, p.Pro875Leu (NM_001291417.2); c.2522C>T, p.Pro841Leu (NM_001291418.2); c.1871C>T, p.Pro624Leu (NM_001291421.2); c.2759C>T, p.Pro920Leu (NM_021140.4); short protein forms P624L, P841L, P875L, P920L, P927L, P972L.
Identifiers: ClinVar variation 1327896 (VCV001327896.4), dbSNP rs2148101706, ClinGen allele CA412799009.

ClinVar aggregate classification (germline): Uncertain significance. Review status: criteria provided, multiple submitters, no conflicts (2 of 4 stars). 2 submissions from 2 submitters: Uncertain significance (2). Last evaluated 2024-03-27.

Conditions:
Kabuki syndrome 2 (KABUK2). Also called: KDM6A-Related Kabuki Syndrome. Identifiers: Orphanet 2322, MedGen C3275495, MONDO:0010465, OMIM 300867.

Submissions (2):

Labcorp Genetics (formerly Invitae), Labcorp
Classification: Uncertain significance for Kabuki syndrome 2. Last evaluated: 2024-03-27. Review status: criteria provided, single submitter. Criteria: Invitae Variant Classification Sherloc (09022015). Collection method: clinical testing. Allele origin: germline.
Comment: This sequence change replaces proline, which is neutral and non-polar, with leucine, which is neutral and non-polar, at codon 920 of the KDM6A protein (p.Pro920Leu). This variant is not present in population databases (gnomAD no frequency). This variant has not been reported in the literature in individuals affected with KDM6A-related conditions. ClinVar contains an entry for this variant (Variation ID: 1327896). Advanced modeling of protein sequence and biophysical properties (such as structural, functional, and spatial information, amino acid conservation, physicochemical variation, residue mobility, and thermodynamic stability) has been performed at Invitae for this missense variant, however the output from this modeling did not meet the statistical confidence thresholds required to predict the impact of this variant on KDM6A protein function. In summary, the available evidence is currently insufficient to determine the role of this variant in disease. Therefore, it has been classified as a Variant of Uncertain Significance.

GeneDx
Classification: Uncertain significance. Last evaluated: 2021-06-11. Review status: criteria provided, single submitter. Criteria: GeneDx Variant Classification Process June 2021. Collection method: clinical testing. Allele origin: germline. Affected: yes.
Comment: Has not been previously published as pathogenic or benign to our knowledge; Not observed at significant frequency in large population cohorts (Lek et al., 2016); In silico analysis supports that this missense variant has a deleterious effect on protein structure/function; This variant is associated with the following publications: (PMID: 27535533)